The following is an entry in ClinVar:

ClinVar aggregate classification (germline): Conflicting classifications of pathogenicity. Review status: criteria provided, conflicting classifications (1 of 4 stars). 12 submissions from 11 submitters: Uncertain significance (8); Benign (1); Likely benign (2). 1 of the submissions does not count toward it. Last evaluated 2025-01-23.

Conditions:
SYNE1-related disorder. Also called: SYNE1-related disease; SYNE1-related condition; SYNE1-related disorders.
Inborn genetic diseases. Identifiers: MedGen C0950123, MeSH D030342.
Emery-Dreifuss muscular dystrophy 4, autosomal dominant (EDMD4). Also called: EMERY-DREIFUSS MUSCULAR DYSTROPHY 4 WITH VARIABLE FEATURES. Identifiers: Orphanet 261, MedGen C2751807, MONDO:0013071, OMIM 612998.
Autosomal recessive ataxia, Beauce type. Also called: SYNE1 Deficiency; SYNE1-Related Autosomal Recessive Cerebellar Ataxia; ATAXIA, RECESSIVE, OF BEAUCE; Spinocerebellar ataxia, autosomal recessive 8. Identifiers: Orphanet 88644, MedGen C1853116, MONDO:0012549, OMIM 610743.

Allele frequency attached by ClinVar (database versions not stated): ExAC 0.00016; gnomAD exomes 0.00020 and 0.00032; TOPMed 0.00029; ESP Exome Variant Server 0.00038; gnomAD 0.00042.
gnomAD v4.1: 533 of 1,613,962 alleles (0.033%); highest among the groups gnomAD compares: East Asian, 0.049%; 1 homozygote.

Submissions (12):

GeneDx
Classification: Uncertain significance. Last evaluated: 2025-01-23. Review status: criteria provided, single submitter. Criteria: GeneDx Variant Classification Process June 2021. Collection method: clinical testing. Allele origin: germline. Affected: yes.
Comment: Reported previously as a variant of uncertain significance and in the compound heterozygous state in a patient with an intellectual development disorder; however, no further clinical information was provided (PMID: 35887114); In silico analysis indicates that this missense variant does not alter protein structure/function; This variant is associated with the following publications: (PMID: 34482403, 35887114)

Blueprint Genetics
Classification: Likely benign. Last evaluated: 2024-11-14. Review status: criteria provided, single submitter. Criteria: ACMG Guidelines, 2015. Collection method: clinical testing. Allele origin: germline.

Athena Diagnostics
Classification: Uncertain significance. Last evaluated: 2024-08-13. Review status: criteria provided, single submitter. Criteria: Athena Diagnostics Criteria. Collection method: clinical testing. Allele origin: unknown.
Comment: Available data are insufficient to determine the clinical significance of the variant at this time. The frequency of this variant in the general population is uninformative in assessment of its pathogenicity. Polyphen and MutationTaster predict this amino acid change may be benign.

Labcorp Genetics (formerly Invitae), Labcorp
Classification: Uncertain significance for Emery-Dreifuss muscular dystrophy 4, autosomal dominant; Autosomal recessive ataxia, Beauce type. Last evaluated: 2022-09-07. Review status: criteria provided, single submitter. Criteria: Invitae Variant Classification Sherloc (09022015). Collection method: clinical testing. Allele origin: germline.
Comment: This sequence change replaces valine, which is neutral and non-polar, with isoleucine, which is neutral and non-polar, at codon 7683 of the SYNE1 protein (p.Val7683Ile). This variant is present in population databases (rs150550013, gnomAD 0.04%). This variant has not been reported in the literature in individuals affected with SYNE1-related conditions. ClinVar contains an entry for this variant (Variation ID: 288855). Algorithms developed to predict the effect of missense changes on protein structure and function output the following: SIFT: "Tolerated"; PolyPhen-2: "Benign"; Align-GVGD: "Class C0". The isoleucine amino acid residue is found in multiple mammalian species, which suggests that this missense change does not adversely affect protein function. In summary, the available evidence is currently insufficient to determine the role of this variant in disease. Therefore, it has been classified as a Variant of Uncertain Significance.

Ambry Genetics
Classification: Likely benign for Inborn genetic diseases. Last evaluated: 2021-07-15. Review status: criteria provided, single submitter. Criteria: Ambry Variant Classification Scheme 2023. Collection method: clinical testing. Allele origin: germline.

Mayo Clinic Laboratories, Mayo Clinic
Classification: Uncertain significance. Last evaluated: 2018-12-10. Review status: criteria provided, single submitter. Criteria: ACMG Guidelines, 2015. Collection method: clinical testing. Allele origin: germline. Observed: 2 variant alleles.
Comment: BP4_strong

CeGaT Center for Human Genetics Tuebingen
Classification: Uncertain significance. Last evaluated: 2018-09-01. Review status: criteria provided, single submitter. Criteria: CeGaT Center For Human Genetics Tuebingen Variant Classification Criteria Version 2. Collection method: clinical testing. Allele origin: germline. Affected: yes. Observed: 1 variant allele.

Illumina Laboratory Services, Illumina
Classification: Benign for Emery-Dreifuss muscular dystrophy 4, autosomal dominant. Last evaluated: 2018-01-12. Review status: criteria provided, single submitter. Criteria: ICSL Variant Classification Criteria 13 December 2019. Collection method: clinical testing. Allele origin: germline.
Comment: This variant was observed in the ICSL laboratory as part of a predisposition screen in an ostensibly healthy population. It had not been previously curated by ICSL or reported in the Human Gene Mutation Database (HGMD: prior to June 1st, 2018), and was therefore a candidate for classification through an automated scoring system. Utilizing variant allele frequency, disease prevalence and penetrance estimates, and inheritance mode, an automated score was calculated to assess if this variant is too frequent to cause the disease. Based on the score and internal cut-off values, a variant classified as benign is not then subjected to further curation. The score for this variant resulted in a classification of benign for this disease.

Illumina Laboratory Services, Illumina
Classification: Uncertain significance for Autosomal recessive ataxia, Beauce type. Last evaluated: 2018-01-12. Review status: criteria provided, single submitter. Criteria: ICSL Variant Classification Criteria 13 December 2019. Collection method: clinical testing. Allele origin: germline.

ARUP Laboratories, Molecular Genetics and Genomics, ARUP Laboratories
Classification: Uncertain significance. Last evaluated: 2017-09-29. Review status: criteria provided, single submitter. Criteria: ARUP Molecular Germline Variant Investigation Process. Collection method: clinical testing. Allele origin: germline.
Comment: The p.Val7683Ile variant (rs150550013) has not been reported in the medical literature. The p.Val7683Ile variant is listed in the Genome Aggregation Database (gnomAD) browser with an overall allele frequency of 0.02% (identified in 56 out of 276,916 chromosomes), and is classified as a variant of uncertain significance in ClinVar (Variant ID: 288855). The valine at codon 7683 is weakly conserved considering 12 species (Alamut software v2.10.0), and computational analyses predict that this variant does not affect the structure/function of the SYNE1 protein (SIFT: tolerated, PolyPhen2: benign, MutationTaster: polymorphism). However, based on the available information, the clinical significance of the p.Val7683Ile variant cannot be determined with certainty.

Eurofins Ntd Llc (ga)
Classification: Uncertain significance. Last evaluated: 2016-12-19. Review status: criteria provided, single submitter. Criteria: EGL Classification Definitions 2015. Collection method: clinical testing. Allele origin: germline. Observed: 2 variant alleles, 2 heterozygotes.

PreventionGenetics, part of Exact Sciences
Classification: Uncertain significance for SYNE1-related condition. Last evaluated: 2024-04-10. Review status: no assertion criteria provided. Collection method: clinical testing. Allele origin: germline. Not counted in ClinVar's aggregate classification.
Comment: The SYNE1 c.23047G>A variant is predicted to result in the amino acid substitution p.Val7683Ile. To our knowledge, this variant has not been reported in the literature. This variant is reported in 0.040% of alleles in individuals of African descent in gnomAD. At this time, the clinical significance of this variant is uncertain due to the absence of conclusive functional and genetic evidence.

Literature cited by the submitters: PubMed 34482403 (cited by Athena Diagnostics); PubMed 35887114 (cited by Athena Diagnostics).

NM_182961.4(SYNE1):c.23260G>A (p.Val7754Ile)

Gene: SYNE1 (spectrin repeat containing nuclear envelope protein 1; minus strand). Cytogenetic location: 6q25.2.
Variant type: single nucleotide variant.
Coding change: c.23260G>A on transcript NM_182961.4 (MANE Select); coding-DNA position 23260, G replaced by A.
Protein change: p.Val7754Ile; replaces valine 7754 with isoleucine.
Molecular consequence: missense variant.
Genome position (GRCh38, 1-based): chr6:152,189,293, C>T on the plus strand (G>A on the coding strand, the complement: SYNE1 is on the minus strand). VCF-style: chr6-152189293-C-T. GRCh37 (hg19) VCF-style: chr6-152510428-C-T.
Other names: c.23047G>A, p.Val7683Ile (NM_033071.5); c.23260G>A (NM_182961.2); short protein forms V7754I, V7683I.
Identifiers: ClinVar variation 288855 (VCV000288855.67), dbSNP rs150550013, ClinGen allele CA4053651.